The following is an entry in ClinVar:

ClinVar aggregate classification (germline): Benign (0 of 4 stars; one submission).

Conditions:
KLF4-related disorder. Also called: KLF4-related condition.

Allele frequency attached by ClinVar (database versions not stated): 1000 Genomes Project 0.00679; 1000 Genomes Project 30x 0.00687; ESP Exome Variant Server 0.00935.
gnomAD v4.1: 20,836 of 1,564,362 alleles (1.3%); highest among the groups gnomAD compares: Middle Eastern, 4.3%; 184 homozygotes.

Submission:

PreventionGenetics, part of Exact Sciences
Classification: Benign for KLF4-related condition. Last evaluated: 2019-05-09. Review status: no assertion criteria provided. Collection method: clinical testing. Allele origin: germline.
Comment: This variant is classified as benign based on ACMG/AMP sequence variant interpretation guidelines (Richards et al. 2015 PMID: 25741868, with internal and published modifications).

NM_004235.6(KLF4):c.489G>T (p.Ala163=)

Gene: KLF4 (KLF transcription factor 4; minus strand). Cytogenetic location: 9q31.2.
Variant type: single nucleotide variant.
Coding change: c.489G>T on transcript NM_004235.6 (MANE Select); coding-DNA position 489, G replaced by T.
Protein change: p.Ala163=; no amino-acid change (alanine 163 retained).
Molecular consequence: synonymous variant.
Genome position (GRCh38, 1-based): chr9:107,487,905, C>A on the plus strand (G>T on the coding strand, the complement: KLF4 is on the minus strand). VCF-style: chr9-107487905-C-A. GRCh37 (hg19) VCF-style: chr9-110250186-C-A.
Other names: c.489G>T, p.Ala163= (NM_001314052.2).
Identifiers: ClinVar variation 3037982 (VCV003037982.2), dbSNP rs34651589, ClinGen allele CA5173275.